The following is an entry in ClinVar:

ClinVar aggregate classification (germline): Uncertain significance. Review status: criteria provided, single submitter (1 of 4 stars). 2 submissions from 2 submitters: Uncertain significance (1). 1 of the submissions does not count toward it. Last evaluated 2022-05-19.

Conditions:
FKTN-related disorder. Also called: FKTN-related condition; FKTN-related disorders.
Walker-Warburg congenital muscular dystrophy. Also called: Muscular dystrophy-dystroglycanopathy, type A; Walker-Warburg syndrome. Identifiers: Orphanet 899, MedGen C0265221, MONDO:0000171.

Allele frequency attached by ClinVar (database versions not stated): gnomAD exomes below 0.00001.

Submissions (2):

Labcorp Genetics (formerly Invitae), Labcorp
Classification: Uncertain significance for Walker-Warburg congenital muscular dystrophy. Last evaluated: 2022-05-19. Review status: criteria provided, single submitter. Criteria: Invitae Variant Classification Sherloc (09022015). Collection method: clinical testing. Allele origin: germline.
Comment: This sequence change creates a premature translational stop signal (p.Gly424Valfs*3) in the FKTN gene. While this is not anticipated to result in nonsense mediated decay, it is expected to disrupt the last 38 amino acid(s) of the FKTN protein. This variant is not present in population databases (gnomAD no frequency). This variant has not been reported in the literature in individuals affected with FKTN-related conditions. Experimental studies and prediction algorithms are not available or were not evaluated, and the functional significance of this variant is currently unknown. This variant disrupts a region of the FKTN protein in which other variant(s) (p.Asn442Ser) have been observed in individuals with FKTN-related conditions (PMID: 28785732). This suggests that this is a clinically significant region of the protein, and that variants that disrupt it are likely to be disease-causing. In summary, the available evidence is currently insufficient to determine the role of this variant in disease. Therefore, it has been classified as a Variant of Uncertain Significance.

PreventionGenetics, part of Exact Sciences
Classification: Likely pathogenic for FKTN-related condition. Last evaluated: 2024-01-29. Review status: no assertion criteria provided. Collection method: clinical testing. Allele origin: germline. Not counted in ClinVar's aggregate classification.
Comment: The FKTN c.1267_1270dupTATG variant is predicted to result in a frameshift and premature protein termination (p.Gly424Valfs*3). To our knowledge, this variant has not been reported in the literature or in a large population database, indicating this variant is rare. Frameshift variants in FKTN are expected to be pathogenic. This variant is interpreted as likely pathogenic.

Literature cited by the submitters: PubMed 28785732 (cited by Labcorp Genetics (formerly Invitae), Labcorp).

NM_001079802.2(FKTN):c.1267_1270dup (p.Gly424fs)

Gene: FKTN (fukutin; plus strand). Cytogenetic location: 9q31.2.
Variant type: Duplication.
Coding change: c.1267_1270dup on transcript NM_001079802.2 (MANE Select); coding-DNA positions 1267 to 1270, 4 bases duplicated (TATG; older notation c.1267_1270dupTATG).
Protein change: p.Gly424fs; shifts the reading frame from glycine 424.
Molecular consequence: frameshift variant. On other transcripts: 3 prime UTR variant (1), non-coding transcript variant (2).
Genome position (GRCh38, 1-based): chr9:105,635,145-105,635,148, TATG duplicated. VCF-style (leftmost placement, unchanged base first): chr9-105635144-C-CTATG. GRCh37 (hg19) VCF-style: chr9-108397425-C-CTATG.
Other names: c.1267_1270dupTATG (NM_001079802.1); c.1267_1270dup, p.Gly424fs (NM_001198963.2, NM_001351496.2, NM_006731.2); c.1198_1201dup, p.Gly401fs (NM_001351497.2); c.*59_*62dup (NM_001351498.2); c.871_874dup, p.Gly292fs (NM_001351499.2, NM_001351500.2, NM_001351501.2 and 1 more transcripts); short protein forms G401fs, G424fs, G292fs.
Identifiers: ClinVar variation 1970678 (VCV001970678.4), dbSNP rs2539943227, ClinGen allele CA2580079421.
Genomic context (GRCh38, chr9:105,635,144, plus strand): 5'-TGAGTTTGTAGACATGAAGGTCCATGTACCCTGTGAAACCCTCGAATACATTGAAGCCAA[C>CTATG]TATGGTAAGACCTGGAAGATTCCTGTAAAGACGTGGGACTGGAAGCGCTCTCCTCCCAAT-3'